The following is an entry in ClinVar:

NM_000179.3(MSH6):c.1710A>G (p.Ile570Met)

Gene: MSH6 (mutS homolog 6; plus strand). Cytogenetic location: 2p16.3.
Variant type: single nucleotide variant.
Coding change: c.1710A>G on transcript NM_000179.3 (MANE Select); coding-DNA position 1710, A replaced by G.
Protein change: p.Ile570Met; replaces isoleucine 570 with methionine.
Molecular consequence: missense variant.
Genome position (GRCh38, 1-based): chr2:47,799,693, A>G. VCF-style: chr2-47799693-A-G. GRCh37 (hg19) VCF-style: chr2-48026832-A-G.
Other names: c.1320A>G, p.Ile440Met (NM_001281492.2); c.804A>G, p.Ile268Met (NM_001281493.2, NM_001281494.2); short protein forms I268M, I440M, I570M.
Identifiers: ClinVar variation 819904 (VCV000819904.17), dbSNP rs1572724112, ClinGen allele CA346748569.

ClinVar aggregate classification (germline): Uncertain significance. Review status: criteria provided, multiple submitters, no conflicts (2 of 4 stars). 4 submissions from 4 submitters: Uncertain significance (4). Last evaluated 2025-11-26.

Conditions:
Lynch syndrome. Identifiers: Orphanet 144, MedGen C4552100, MONDO:0005835. Disease mechanism: loss of function.
Endometrial carcinoma. Also called: Endometrial carcinoma, somatic. Identifiers: MedGen C0476089, MONDO:0002447, OMIM 608089, HP:0012114.
Hereditary cancer-predisposing syndrome. Also called: Neoplastic Syndromes, Hereditary; Tumor predisposition; Hereditary Cancer Syndrome; Hereditary neoplastic syndrome. Identifiers: Orphanet 140162, MedGen C0027672, MeSH D009386, MONDO:0015356.
Hereditary nonpolyposis colorectal neoplasms. Identifiers: MedGen C0009405, MeSH D003123.

Submissions (4):

Labcorp Genetics (formerly Invitae), Labcorp
Classification: Uncertain significance for Hereditary nonpolyposis colorectal neoplasms. Last evaluated: 2025-11-26. Review status: criteria provided, single submitter. Criteria: Invitae Variant Classification Sherloc (09022015). Collection method: clinical testing. Allele origin: germline.
Comment: This sequence change replaces isoleucine, which is neutral and non-polar, with methionine, which is neutral and non-polar, at codon 570 of the MSH6 protein (p.Ile570Met). This variant is not present in population databases (gnomAD no frequency). This variant has not been reported in the literature in individuals affected with MSH6-related conditions. ClinVar contains an entry for this variant (Variation ID: 819904). Invitae Evidence Modeling of protein sequence and biophysical properties (such as structural, functional, and spatial information, amino acid conservation, physicochemical variation, residue mobility, and thermodynamic stability) indicates that this missense variant is not expected to disrupt MSH6 protein function with a negative predictive value of 95%. In summary, the available evidence is currently insufficient to determine the role of this variant in disease. Therefore, it has been classified as a Variant of Uncertain Significance.

Ambry Genetics
Classification: Uncertain significance for Hereditary cancer-predisposing syndrome. Last evaluated: 2025-03-14. Review status: criteria provided, single submitter. Criteria: Ambry Variant Classification Scheme 2023. Collection method: clinical testing. Allele origin: germline.
Comment: The p.I570M variant (also known as c.1710A>G), located in coding exon 4 of the MSH6 gene, results from an A to G substitution at nucleotide position 1710. The isoleucine at codon 570 is replaced by methionine, an amino acid with highly similar properties. This amino acid position is poorly conserved in available vertebrate species. In addition, this alteration is predicted to be tolerated by in silico analysis. Since supporting evidence is limited at this time, the clinical significance of this alteration remains unclear.

Baylor Genetics
Classification: Uncertain significance for Endometrial carcinoma. Last evaluated: 2024-03-19. Review status: criteria provided, single submitter. Criteria: ACMG Guidelines, 2015. Collection method: clinical testing. Allele origin: unknown.

All of Us Research Program, National Institutes of Health
Classification: Uncertain significance for Lynch syndrome. Last evaluated: 2023-12-13. Review status: criteria provided, single submitter. Criteria: ACMG Guidelines, 2015. Collection method: clinical testing. Allele origin: germline. Inheritance: Autosomal dominant inheritance. Observed: 1 variant allele, 1 heterozygote.
Comment: This missense variant replaces isoleucine with methionine at codon 570 of the MSH6 protein. Computational prediction suggests that this variant may not impact protein structure and function (internally defined REVEL score threshold <= 0.5, PMID: 27666373). To our knowledge, functional studies have not been reported for this variant. This variant has not been reported in individuals affected with MSH6-related disorders in the literature. This variant has not been identified in the general population by the Genome Aggregation Database (gnomAD). The available evidence is insufficient to determine the role of this variant in disease conclusively. Therefore, this variant is classified as a Variant of Uncertain Significance.

This study involves interpretation of variants in research participants for the purpose of population health screening. Participant phenotype was not available at the time of variant classification. Additional details can be found in publication PMID: 35346344, PMCID: PMC8962531